The following is an entry in ClinVar:

NM_000088.4(COL1A1):c.904-10T>A

Genes: COL1A1 (collagen type I alpha 1 chain; minus strand), LOC126862586 (CDK7 strongly-dependent group 2 enhancer GRCh37_chr17:48273702-48274901; plus strand). Cytogenetic location: 17q21.33.
Variant type: single nucleotide variant.
Coding change: c.904-10T>A on transcript NM_000088.4 (MANE Select); 10 bases into the intron before coding-DNA position 904, T replaced by A.
Molecular consequence: intron variant.
Genome position (GRCh38, 1-based): chr17:50,196,377, A>T on the plus strand (T>A on the coding strand, the complement: COL1A1 is on the minus strand). VCF-style: chr17-50196377-A-T. GRCh37 (hg19) VCF-style: chr17-48273738-A-T.
Identifiers: ClinVar variation 2138078 (VCV002138078.4), dbSNP rs72645344, ClinGen allele CA291547242.

ClinVar aggregate classification (germline): Likely pathogenic (1 of 4 stars; one submission).

Conditions:
Osteogenesis imperfecta type I (OI1). Also called: OI, TYPE I; OSTEOGENESIS IMPERFECTA TARDA; OSTEOGENESIS IMPERFECTA WITH BLUE SCLERAE; Osteogenesis imperfecta type 1; Lobstein disease; Lobstein's Disease. Identifiers: Orphanet 216796, Orphanet 666, MedGen C0023931, MONDO:0008146, OMIM 166200. Disease mechanism: loss of function.

Submission:

Labcorp Genetics (formerly Invitae), Labcorp
Classification: Likely pathogenic for Osteogenesis imperfecta type I. Last evaluated: 2025-02-25. Review status: criteria provided, single submitter. Criteria: Invitae Variant Classification Sherloc (09022015). Collection method: clinical testing. Allele origin: germline.
Comment: This sequence change falls in intron 13 of the COL1A1 gene. It does not directly change the encoded amino acid sequence of the COL1A1 protein. This variant is not present in population databases (gnomAD no frequency). This variant has been observed in individual(s) with clinical features of osteogenesis imperfecta and/or osteogenesis imperfecta (PMID: 15046069, 30715774; internal data). It has also been observed to segregate with disease in related individuals. This variant is also known as IVS13-10T>A. ClinVar contains an entry for this variant (Variation ID: 2138078). Studies have shown that this variant does not significantly alter or has an unclear effect on COL1A1 gene expression (PMID: 15046069, 30715774). Algorithms developed to predict the effect of sequence changes on RNA splicing suggest that this variant may disrupt the consensus splice site. In summary, the currently available evidence indicates that the variant is pathogenic, but additional data are needed to prove that conclusively. Therefore, this variant has been classified as Likely Pathogenic.

Literature cited by the submitters: PubMed 15046069; PubMed 30715774.